The following is an entry in ClinVar:

ClinVar aggregate classification (germline): Pathogenic. Review status: criteria provided, multiple submitters, no conflicts (2 of 4 stars). 3 submissions from 2 submitters: Pathogenic (3). Last evaluated 2024-07-19.

Conditions:
Hereditary cancer-predisposing syndrome. Also called: Neoplastic Syndromes, Hereditary; Tumor predisposition; Hereditary Cancer Syndrome; Hereditary neoplastic syndrome. Identifiers: Orphanet 140162, MedGen C0027672, MeSH D009386, MONDO:0015356.
Lynch syndrome. Identifiers: Orphanet 144, MedGen C4552100, MONDO:0005835. Disease mechanism: loss of function.
Hereditary nonpolyposis colorectal neoplasms. Identifiers: MedGen C0009405, MeSH D003123.

Submissions (3):

Ambry Genetics
Classification: Pathogenic for Hereditary cancer-predisposing syndrome. Last evaluated: 2024-07-19. Review status: criteria provided, single submitter. Criteria: Ambry Variant Classification Scheme 2023. Collection method: clinical testing. Allele origin: germline.
Comment: The c.1185delC pathogenic mutation, located in coding exon 11 of the PMS2 gene, results from a deletion of one nucleotide at nucleotide position 1185, causing a translational frameshift with a predicted alternate stop codon (p.M396Wfs*2). This alteration was identified in an individual diagnosed with colorectal cancer (Wang Q et al. J Med Genet, 2020 Jul;57:487-499). This variant is considered to be rare based on population cohorts in the Genome Aggregation Database (gnomAD). This alteration is expected to result in loss of function by premature protein truncation or nonsense-mediated mRNA decay. As such, this alteration is interpreted as a disease-causing mutation.

Labcorp Genetics (formerly Invitae), Labcorp
Classification: Pathogenic for Hereditary nonpolyposis colorectal neoplasms. Last evaluated: 2021-08-30. Review status: criteria provided, single submitter. Criteria: Invitae Variant Classification Sherloc (09022015). Collection method: clinical testing. Allele origin: germline.
Comment: This sequence change creates a premature translational stop signal (p.Met396Trpfs*2) in the PMS2 gene. It is expected to result in an absent or disrupted protein product. Loss-of-function variants in PMS2 are known to be pathogenic (PMID: 21376568, 24362816). This variant is not present in population databases (ExAC no frequency). This variant has been observed in individual(s) with colorectal cancer (PMID: 31992580). ClinVar contains an entry for this variant (Variation ID: 188149). For these reasons, this variant has been classified as Pathogenic.

Labcorp Genetics (formerly Invitae), Labcorp
Classification: Pathogenic for Lynch syndrome. Last evaluated: 2014-10-13. Review status: criteria provided, single submitter. Criteria: Invitae Variant Classification Sherloc (09022015). Collection method: clinical testing. Allele origin: germline.
Comment: This sequence change creates a premature translational stop signal at codon 396 (p.Met396Trpfs*2). It is expected to result in an absent or disrupted protein product. While this particular sequence change has not been reported in the literature, truncating sequence changes in PMS2 are known to be pathogenic. For these reasons, this sequence change has been classified as Pathogenic.

Literature cited by the submitters: PubMed 31992580 (cited by Ambry Genetics and Labcorp Genetics (formerly Invitae), Labcorp); PubMed 21376568 (cited by Labcorp Genetics (formerly Invitae), Labcorp); PubMed 24362816 (cited by Labcorp Genetics (formerly Invitae), Labcorp).

NM_000535.7(PMS2):c.1185del (p.Met396fs)

Gene: PMS2 (PMS1 homolog 2, mismatch repair system component; minus strand). Cytogenetic location: 7p22.1.
Variant type: Deletion.
Coding change: c.1185del on transcript NM_000535.7 (MANE Select); coding-DNA position 1185, one base deleted (C; older notation c.1185delC).
Protein change: p.Met396fs; shifts the reading frame from methionine 396.
Molecular consequence: frameshift variant. On other transcripts: non-coding transcript variant (1).
Genome position (GRCh38, 1-based): chr7:5,987,580, G deleted on the plus strand (C on the coding strand, the reverse complement: PMS2 is on the minus strand); the first of 3 consecutive G bases (chr7:5,987,580-5,987,582); deleting any one gives the same sequence. VCF-style (leftmost placement, unchanged base first): chr7-5987579-TG-T. GRCh37 (hg19) VCF-style: chr7-6027210-TG-T.
Other names: c.780del, p.Met261fs (NM_001322003.2, NM_001322004.2, NM_001322005.2 and 1 more transcripts); c.1029del, p.Met344fs (NM_001322006.2); c.867del, p.Met290fs (NM_001322007.2, NM_001322008.2); c.624del, p.Met209fs (NM_001322010.2); c.252del, p.Met85fs (NM_001322011.2, NM_001322012.2); c.612del, p.Met205fs (NM_001322013.2); c.1185del, p.Met396fs (NM_001322014.2); c.876del, p.Met293fs (NM_001322015.2); short protein forms M205fs, M293fs, M261fs, M290fs, M209fs, M344fs, M396fs, M85fs.
Identifiers: ClinVar variation 188149 (VCV000188149.10), dbSNP rs786204104, ClinGen allele CA009283.